The following is an entry in ClinVar:

ClinVar aggregate classification (germline): Pathogenic/Likely pathogenic. Review status: criteria provided, multiple submitters, no conflicts (2 of 4 stars). 3 submissions from 3 submitters: Pathogenic (2); Likely pathogenic (1). Last evaluated 2025-12-13.

Conditions:
Hypertrophic cardiomyopathy 26. Also called: Cardiomyopathy, familial hypertrophic, 26. Identifiers: Orphanet 75249, MedGen C4310749, MONDO:0014883, OMIM 617047.
Distal myopathy with posterior leg and anterior hand involvement. Also called: WILLIAMS DISTAL MYOPATHY. Identifiers: Orphanet 63273, MedGen C3279722, MONDO:0013550, OMIM 614065.
Myofibrillar myopathy 5. Also called: Filaminopathy (type); FILAMINOPATHY, AUTOSOMAL DOMINANT. Identifiers: Orphanet 171445, MedGen C1836050, MONDO:0012289, OMIM 609524.
Cardiovascular phenotype. Identifiers: MedGen CN230736.

Submissions (3):

Labcorp Genetics (formerly Invitae), Labcorp
Classification: Pathogenic for Distal myopathy with posterior leg and anterior hand involvement; Myofibrillar myopathy 5; Hypertrophic cardiomyopathy 26. Last evaluated: 2025-12-13. Review status: criteria provided, single submitter. Criteria: Invitae Variant Classification Sherloc (09022015). Collection method: clinical testing. Allele origin: germline.
Comment: This sequence change creates a premature translational stop signal (p.Arg1313Leufs*20) in the FLNC gene. It is expected to result in an absent or disrupted protein product. Loss-of-function variants in FLNC are known to be pathogenic (PMID: 27908349). This variant is not present in population databases (gnomAD no frequency). This variant has not been reported in the literature in individuals affected with FLNC-related conditions. ClinVar contains an entry for this variant (Variation ID: 478126). For these reasons, this variant has been classified as Pathogenic.

Ambry Genetics
Classification: Pathogenic for Cardiovascular phenotype. Last evaluated: 2025-06-05. Review status: criteria provided, single submitter. Criteria: Ambry Variant Classification Scheme 2023. Collection method: clinical testing. Allele origin: germline.
Comment: The c.3934_3937dupTACC pathogenic mutation, located in coding exon 22 of the FLNC gene, results from a duplication of TACC at nucleotide position 3934, causing a translational frameshift with a predicted alternate stop codon (p.R1313Lfs*20). This variant is considered to be rare based on population cohorts in the Genome Aggregation Database (gnomAD). This alteration is expected to result in loss of function by premature protein truncation or nonsense-mediated mRNA decay. As such, this alteration is interpreted as a disease-causing mutation for FLNC-related dilated cardiomyopathy; however, its clinical significance for FLNC-related hypertrophic/restrictive cardiomyopathy and/or skeletal myopathy is uncertain.

GeneDx
Classification: Likely pathogenic. Last evaluated: 2023-02-24. Review status: criteria provided, single submitter. Criteria: GeneDx Variant Classification Process June 2021. Collection method: clinical testing. Allele origin: germline. Affected: yes.
Comment: Frameshift variant predicted to result in protein truncation or nonsense mediated decay in a gene for which loss of function is a known mechanism of disease; Not observed at significant frequency in large population cohorts (gnomAD); Has not been previously published as pathogenic or benign to our knowledge

Literature cited by the submitters: PubMed 27908349 (cited by Labcorp Genetics (formerly Invitae), Labcorp).

NM_001458.5(FLNC):c.3934_3937dup (p.Arg1313fs)

Gene: FLNC (filamin C; plus strand). Cytogenetic location: 7q32.1.
Variant type: Duplication.
Coding change: c.3934_3937dup on transcript NM_001458.5 (MANE Select); coding-DNA positions 3934 to 3937, 4 bases duplicated (TACC; older notation c.3934_3937dupTACC).
Protein change: p.Arg1313fs; shifts the reading frame from arginine 1313.
Molecular consequence: frameshift variant.
Genome position (GRCh38, 1-based): chr7:128,846,133-128,846,136, TACC duplicated; duplicating any 4 consecutive bases within chr7:128,846,130-128,846,136 gives the same sequence; the c. name uses the placement nearest the transcript's 3' end. VCF-style (leftmost placement, unchanged base first): chr7-128846129-C-CACCT. GRCh37 (hg19) VCF-style: chr7-128486183-C-CACCT.
Other names: c.3934_3937dupTACC (NM_001458.4); c.3934_3937dup, p.Arg1313fs (NM_001127487.2); short protein forms R1313fs.
Identifiers: ClinVar variation 478126 (VCV000478126.13), dbSNP rs1554399513, ClinGen allele CA658657720.